The following is an entry in ClinVar:

NM_001375524.1(TRRAP):c.6977-7C>T

Gene: TRRAP (transformation/transcription domain associated protein; plus strand). Cytogenetic location: 7q22.1.
Variant type: single nucleotide variant.
Coding change: c.6977-7C>T on transcript NM_001375524.1 (MANE Select); 7 bases into the intron before coding-DNA position 6977, C replaced by T.
Molecular consequence: intron variant.
Genome position (GRCh38, 1-based): chr7:98,965,689, C>T. VCF-style: chr7-98965689-C-T. GRCh37 (hg19) VCF-style: chr7-98563312-C-T.
Other names: c.6902-7C>T (NM_003496.3, NM_003496.4); c.6956-7C>T (NM_001244580.2).
Identifiers: ClinVar variation 2060923 (VCV002060923.5), dbSNP rs370416016, ClinGen allele CA4361042.

ClinVar aggregate classification (germline): Benign/Likely benign. Review status: criteria provided, multiple submitters, no conflicts (2 of 4 stars). 2 submissions from 2 submitters: Benign (1); Likely benign (1). Last evaluated 2026-04-21.

Conditions:
TRRAP-related disorder. Also called: TRRAP-related condition.

Allele frequency attached by ClinVar (database versions not stated): gnomAD exomes 0.00003; ExAC 0.00014; ESP Exome Variant Server 0.00031; gnomAD 0.00036; TOPMed 0.00038.
gnomAD v4.1: 97 of 1,613,644 alleles (0.006%); highest among the groups gnomAD compares: African/African-American, 0.11%; no homozygotes.

Submissions (2):

PreventionGenetics, part of Exact Sciences
Classification: Likely benign for TRRAP-related condition. Last evaluated: 2026-04-21. Review status: criteria provided, single submitter. Criteria: ACMG Guidelines, 2015. Collection method: clinical testing. Allele origin: germline.
Comment: This variant is classified as likely benign based on ACMG/AMP sequence variant interpretation guidelines (Richards et al. 2015 PMID: 25741868, with internal and published modifications).

Labcorp Genetics (formerly Invitae), Labcorp
Classification: Benign. Last evaluated: 2025-09-24. Review status: criteria provided, single submitter. Criteria: Invitae Variant Classification Sherloc (09022015). Collection method: clinical testing. Allele origin: germline.